The following is an entry in ClinVar:

ClinVar aggregate classification (germline): Benign/Likely benign. Review status: criteria provided, multiple submitters, no conflicts (2 of 4 stars). 7 submissions from 2 submitters: Benign (6); Likely benign (1). Last evaluated 2023-06-01.

Conditions:
Brachyrachia (short spine dysplasia) (BCYM3). Also called: BRACHYRACHIA; Autosomal dominant brachyolmia; Brachyolmia, TRPV4-Related; Brachyolmia Type 3. Identifiers: Orphanet 93304, MedGen C0432227, MONDO:0007232, OMIM 113500.
Scapuloperoneal spinal muscular atrophy (SPSMA). Also called: Scapuloperoneal spinal muscular atrophy, autosomal dominant; Scapuloperoneal Spinal Muscular Atrophy, TRPV4-Related; AMYOTROPHY, NEUROGENIC SCAPULOPERONEAL, NEW ENGLAND TYPE; Scapuloperoneal Form of Spinal Muscular Atrophy. Identifiers: Orphanet 431255, MedGen C0751335, MONDO:0008408, OMIM 181405.
Charcot-Marie-Tooth disease axonal type 2C (HMSN2C). Also called: Charcot-Marie-Tooth Disease Type 2, TRPV4-Related (CMT2C); CHARCOT-MARIE-TOOTH DISEASE, AXONAL, AUTOSOMAL DOMINANT, TYPE 2C; Charcot-Marie-Tooth Neuropathy Type 2C. Identifiers: Orphanet 99937, MedGen C1853710, MONDO:0011633, OMIM 606071.
Metatropic dysplasia (MTD). Also called: METATROPIC DWARFISM; Metatropic Dysplasia, TRPV4-Related; Metatropic dysplasia, nonlethal dominant. Identifiers: Orphanet 2635, MedGen C0265281, MONDO:0007986, OMIM 156530.
Neuronopathy, distal hereditary motor, autosomal dominant 8. Also called: NEURONOPATHY, DISTAL HEREDITARY MOTOR, TYPE VIII; NEUROPATHY, DISTAL HEREDITARY MOTOR, TYPE VIII; SPINAL MUSCULAR ATROPHY, CONGENITAL BENIGN, WITH CONTRACTURES; Autosomal dominant congenital benign spinal muscular atrophy. Identifiers: Orphanet 1216, MedGen C1838492, MONDO:0010839, OMIM 600175.
Spondylometaphyseal dysplasia, Kozlowski type (SMDK). Also called: Dysmorphism arthrogryposis skeletal maturation advanced; Jequier-Kozlowski syndrome; Skeletal dysplasia Jequier-Kozlowski type; SMD Kozlowski type; Spondylometaphyseal Dysplasia, TRPV4-Related (Kozlowski Type). Identifiers: Orphanet 93314, MedGen C0265280, MONDO:0008477, OMIM 184252.

Allele frequency attached by ClinVar (database versions not stated): 1000 Genomes Project 30x 0.00297; 1000 Genomes Project 0.00300; gnomAD 0.00554 and 0.00565; gnomAD exomes 0.00575; TOPMed 0.00577.
gnomAD v4.1: 1,014 of 181,410 alleles (0.56%); highest among the groups gnomAD compares: Middle Eastern, 1%; 3 homozygotes.

Submissions (7):

CeGaT Center for Human Genetics Tuebingen
Classification: Likely benign. Last evaluated: 2023-06-01. Review status: criteria provided, single submitter. Criteria: CeGaT Center For Human Genetics Tuebingen Variant Classification Criteria Version 2. Collection method: clinical testing. Allele origin: germline. Affected: yes. Observed: 22 variant alleles.
Comment: TRPV4: BS2

Illumina Laboratory Services, Illumina
Classification: Benign for Brachyrachia (short spine dysplasia). Last evaluated: 2018-01-13. Review status: criteria provided, single submitter. Criteria: ICSL Variant Classification Criteria 13 December 2019. Collection method: clinical testing. Allele origin: germline.
Comment: This variant was observed in the ICSL laboratory as part of a predisposition screen in an ostensibly healthy population. It had not been previously curated by ICSL or reported in the Human Gene Mutation Database (HGMD: prior to June 1st, 2018), and was therefore a candidate for classification through an automated scoring system. Utilizing variant allele frequency, disease prevalence and penetrance estimates, and inheritance mode, an automated score was calculated to assess if this variant is too frequent to cause the disease. Based on the score and internal cut-off values, a variant classified as benign is not then subjected to further curation. The score for this variant resulted in a classification of benign for this disease.

Illumina Laboratory Services, Illumina
Classification: Benign for Spondylometaphyseal dysplasia, Kozlowski type. Last evaluated: 2018-01-13. Review status: criteria provided, single submitter. Criteria: ICSL Variant Classification Criteria 13 December 2019. Collection method: clinical testing. Allele origin: germline.
Comment: the same text as in the submission from Illumina Laboratory Services, Illumina above.

Illumina Laboratory Services, Illumina
Classification: Benign for Scapuloperoneal spinal muscular atrophy. Last evaluated: 2018-01-13. Review status: criteria provided, single submitter. Criteria: ICSL Variant Classification Criteria 13 December 2019. Collection method: clinical testing. Allele origin: germline.
Comment: the same text as in the submission from Illumina Laboratory Services, Illumina above.

Illumina Laboratory Services, Illumina
Classification: Benign for Metatropic dysplasia. Last evaluated: 2018-01-13. Review status: criteria provided, single submitter. Criteria: ICSL Variant Classification Criteria 13 December 2019. Collection method: clinical testing. Allele origin: germline.
Comment: the same text as in the submission from Illumina Laboratory Services, Illumina above.

Illumina Laboratory Services, Illumina
Classification: Benign for Neuronopathy, distal hereditary motor, autosomal dominant 8. Last evaluated: 2018-01-13. Review status: criteria provided, single submitter. Criteria: ICSL Variant Classification Criteria 13 December 2019. Collection method: clinical testing. Allele origin: germline.
Comment: the same text as in the submission from Illumina Laboratory Services, Illumina above.

Illumina Laboratory Services, Illumina
Classification: Benign for Charcot-Marie-Tooth disease axonal type 2C. Last evaluated: 2018-01-13. Review status: criteria provided, single submitter. Criteria: ICSL Variant Classification Criteria 13 December 2019. Collection method: clinical testing. Allele origin: germline.
Comment: the same text as in the submission from Illumina Laboratory Services, Illumina above.

NM_021625.5(TRPV4):c.*423G>A

Gene: TRPV4 (transient receptor potential cation channel subfamily V member 4; minus strand). Cytogenetic location: 12q24.11.
Variant type: single nucleotide variant.
Coding change: c.*423G>A on transcript NM_021625.5 (MANE Select); 423 bases downstream of the stop codon, G replaced by A.
Molecular consequence: 3 prime UTR variant.
Genome position (GRCh38, 1-based): chr12:109,783,198, C>T on the plus strand (G>A on the coding strand, the complement: TRPV4 is on the minus strand). VCF-style: chr12-109783198-C-T. GRCh37 (hg19) VCF-style: chr12-110221003-C-T.
Other names: c.*423G>A (NM_001177428.2, NM_001177431.2, NM_001177433.2 and 1 more transcripts).
Identifiers: ClinVar variation 307113 (VCV000307113.36), dbSNP rs151286044, ClinGen allele CA10640856.
Genomic context (GRCh38, chr12:109,783,198, plus strand): 5'-ACAGAACACACAGAAGGCATGGCCCCACGCCGAGGGCCCCAGCCCCTTGCAAAGCTGCCA[C>T]GCTGCCAAAAATGGTGGCGCATGCAGCTCAGGCGCAGGCTGAGGCTGGGGCTTGGCCGGG-3'